The following is an entry in ClinVar:

ClinVar aggregate classification (germline): Uncertain significance. Review status: criteria provided, multiple submitters, no conflicts (2 of 4 stars). 6 submissions from 6 submitters: Uncertain significance (5). 1 of the submissions does not count toward it. Last evaluated 2026-02-01.

Conditions:
Retinal dystrophy. Also called: Inherited retinal dystrophy. Identifiers: Orphanet 71862, MedGen C0854723, MeSH D058499, MONDO:0019118, HP:0000556.
Inborn genetic diseases. Identifiers: MedGen C0950123, MeSH D030342.

Allele frequency attached by ClinVar (database versions not stated): gnomAD 0.00001; gnomAD exomes 0.00001; TOPMed 0.00003.
gnomAD v4.1: 21 of 1,613,570 alleles (0.0013%); highest among the groups gnomAD compares: Non-Finnish European, 0.0017%; no homozygotes.

Submissions (6):

CeGaT Center for Human Genetics Tuebingen
Classification: Uncertain significance. Last evaluated: 2026-02-01. Review status: criteria provided, single submitter. Criteria: CeGaT Center For Human Genetics Tuebingen Variant Classification Criteria Version 2. Collection method: clinical testing. Allele origin: germline. Affected: yes. Observed: 1 variant allele.
Comment: CDH23: PM2, BP4

Ambry Genetics
Classification: Uncertain significance for Inborn genetic diseases. Last evaluated: 2025-07-14. Review status: criteria provided, single submitter. Criteria: Ambry Variant Classification Scheme 2023. Collection method: clinical testing. Allele origin: germline.

Blueprint Genetics
Classification: Uncertain significance. Last evaluated: 2023-12-22. Review status: criteria provided, single submitter. Criteria: ACMG Guidelines, 2015. Collection method: clinical testing. Allele origin: germline.

GeneDx
Classification: Uncertain significance. Last evaluated: 2023-10-18. Review status: criteria provided, single submitter. Criteria: GeneDx Variant Classification Process June 2021. Collection method: clinical testing. Allele origin: germline. Affected: yes.
Comment: Not observed at significant frequency in large population cohorts (gnomAD); In silico analysis supports that this missense variant has a deleterious effect on protein structure/function; Has not been previously published as pathogenic or benign to our knowledge

Labcorp Genetics (formerly Invitae), Labcorp
Classification: Uncertain significance. Last evaluated: 2022-09-19. Review status: criteria provided, single submitter. Criteria: Invitae Variant Classification Sherloc (09022015). Collection method: clinical testing. Allele origin: germline.
Comment: This sequence change replaces arginine, which is basic and polar, with tryptophan, which is neutral and slightly polar, at codon 2358 of the CDH23 protein (p.Arg2358Trp). This variant is present in population databases (no rsID available, gnomAD 0.003%). This variant has not been reported in the literature in individuals affected with CDH23-related conditions. Advanced modeling of protein sequence and biophysical properties (such as structural, functional, and spatial information, amino acid conservation, physicochemical variation, residue mobility, and thermodynamic stability) performed at Invitae indicates that this missense variant is not expected to disrupt CDH23 protein function. In summary, the available evidence is currently insufficient to determine the role of this variant in disease. Therefore, it has been classified as a Variant of Uncertain Significance.

Institute of Human Genetics, Univ. Regensburg, Univ. Regensburg
Classification: Uncertain significance for Retinal dystrophy. Last evaluated: 2023-01-01. Review status: no assertion criteria provided. Criteria: ACMG Guidelines, 2015. Collection method: clinical testing. Allele origin: germline. Affected: yes. Not counted in ClinVar's aggregate classification.

NM_022124.6(CDH23):c.7072C>T (p.Arg2358Trp)

Gene: CDH23 (cadherin related 23; plus strand). Cytogenetic location: 10q22.1.
Variant type: single nucleotide variant.
Coding change: c.7072C>T on transcript NM_022124.6 (MANE Select); coding-DNA position 7072, C replaced by T.
Protein change: p.Arg2358Trp; replaces arginine 2358 with tryptophan.
Molecular consequence: missense variant.
Genome position (GRCh38, 1-based): chr10:71,799,128, C>T. VCF-style: chr10-71799128-C-T. GRCh37 (hg19) VCF-style: chr10-73558885-C-T.
Other names: c.7072C>T (NM_022124.5); c.352C>T, p.Arg118Trp (NM_001171933.1, NM_001171934.1); short protein forms R118W, R2358W.
Identifiers: ClinVar variation 2177840 (VCV002177840.9), dbSNP rs1370285191, ClinGen allele CA377158662.